The following is an entry in ClinVar:

NM_022726.4(ELOVL4):c.689T>C (p.Ile230Thr)

Gene: ELOVL4 (ELOVL fatty acid elongase 4; minus strand). Cytogenetic location: 6q14.1.
Variant type: single nucleotide variant.
Coding change: c.689T>C on transcript NM_022726.4 (MANE Select); coding-DNA position 689, T replaced by C.
Protein change: p.Ile230Thr; replaces isoleucine 230 with threonine.
Molecular consequence: missense variant.
Genome position (GRCh38, 1-based): chr6:79,916,864, A>G on the plus strand (T>C on the coding strand, the complement: ELOVL4 is on the minus strand). VCF-style: chr6-79916864-A-G. GRCh37 (hg19) VCF-style: chr6-80626581-A-G.
Other names: short protein forms I230T.
Identifiers: ClinVar variation 1967276 (VCV001967276.5), dbSNP rs775068223, ClinGen allele CA3901472.

ClinVar aggregate classification (germline): Uncertain significance (1 of 4 stars; one submission).

Allele frequency attached by ClinVar (database versions not stated): gnomAD 0.00001; TOPMed 0.00001; ExAC 0.00002.
gnomAD v4.1: 21 of 1,614,020 alleles (0.0013%); highest among the groups gnomAD compares: African/African-American, 0.0027%; no homozygotes.

Submission:

Labcorp Genetics (formerly Invitae), Labcorp
Classification: Uncertain significance. Last evaluated: 2025-06-23. Review status: criteria provided, single submitter. Criteria: Invitae Variant Classification Sherloc (09022015). Collection method: clinical testing. Allele origin: germline.
Comment: This sequence change replaces isoleucine, which is neutral and non-polar, with threonine, which is neutral and polar, at codon 230 of the ELOVL4 protein (p.Ile230Thr). The frequency data for this variant in the population databases is considered unreliable, as metrics indicate poor data quality at this position in the gnomAD database. This variant has not been reported in the literature in individuals affected with ELOVL4-related conditions. ClinVar contains an entry for this variant (Variation ID: 1967276). Invitae Evidence Modeling of protein sequence and biophysical properties (such as structural, functional, and spatial information, amino acid conservation, physicochemical variation, residue mobility, and thermodynamic stability) indicates that this missense variant is not expected to disrupt ELOVL4 protein function with a negative predictive value of 80%. In summary, the available evidence is currently insufficient to determine the role of this variant in disease. Therefore, it has been classified as a Variant of Uncertain Significance.